The following is an entry in ClinVar:

ClinVar aggregate classification (germline): Uncertain significance. Review status: criteria provided, multiple submitters, no conflicts (2 of 4 stars). 4 submissions from 4 submitters: Uncertain significance (4). Last evaluated 2023-04-11.

Conditions:
Inborn genetic diseases. Identifiers: MedGen C0950123, MeSH D030342.
Microcephaly 5, primary, autosomal recessive (MCPH5). Also called: ASPM Primary Microcephaly. Identifiers: Orphanet 2512, MedGen C1837501, MONDO:0012106, OMIM 608716.

Allele frequency attached by ClinVar (database versions not stated): TOPMed below 0.00001.

Submissions (4):

Genome-Nilou Lab
Classification: Uncertain significance for Microcephaly 5, primary, autosomal recessive. Last evaluated: 2023-04-11. Review status: criteria provided, single submitter. Criteria: ACMG Guidelines, 2015. Collection method: clinical testing. Allele origin: germline. Affected: no.

Ambry Genetics
Classification: Uncertain significance for Inborn genetic diseases. Last evaluated: 2021-11-22. Review status: criteria provided, single submitter. Criteria: Ambry Variant Classification Scheme 2023. Collection method: clinical testing. Allele origin: germline.

GeneDx
Classification: Uncertain significance. Last evaluated: 2016-10-28. Review status: criteria provided, single submitter. Criteria: GeneDx Variant Classification (06012015). Collection method: clinical testing. Allele origin: germline. Affected: yes.
Comment: A variant of uncertain significance has been identified in the ASPM gene. The V1123L variant has not been published as a pathogenic variant, nor has it been reported as a benign variant to our knowledge. It was not observed in approximately 6,500 individuals of European and African American ancestry in the NHLBI Exome Sequencing Project, indicating it is not a common benign variant in these populations. The V1123L variant is a conservative amino acid substitution, which is not likely to impact secondary protein structure as these residues share similar properties. However, this substitution occurs at a position that is conserved across species. In silico analysis is inconsistent in its predictions as to whether or not the V1123L variant is damaging to the protein structure/function. Therefore, based on the currently available information, it is unclear whether this variant is a pathogenic variant or a rare benign variant.

Genetic Services Laboratory, University of Chicago
Classification: Uncertain significance. Last evaluated: 2016-04-15. Review status: criteria provided, single submitter. Criteria: ACMG Guidelines, 2015. Collection method: clinical testing. Allele origin: germline. Affected: no.

NM_018136.5(ASPM):c.3367G>C (p.Val1123Leu)

Gene: ASPM (assembly factor for spindle microtubules; minus strand). Cytogenetic location: 1q31.3.
Variant type: single nucleotide variant.
Coding change: c.3367G>C on transcript NM_018136.5 (MANE Select); coding-DNA position 3367, G replaced by C.
Protein change: p.Val1123Leu; replaces valine 1123 with leucine.
Molecular consequence: missense variant.
Genome position (GRCh38, 1-based): chr1:197,124,133, C>G on the plus strand (G>C on the coding strand, the complement: ASPM is on the minus strand). VCF-style: chr1-197124133-C-G. GRCh37 (hg19) VCF-style: chr1-197093263-C-G.
Other names: c.3367G>C, p.Val1123Leu (NM_001206846.2); short protein forms V1123L.
Identifiers: ClinVar variation 390361 (VCV000390361.10), dbSNP rs1057523743, ClinGen allele CA16603465.